The following is an entry in ClinVar:

ClinVar aggregate classification (germline): Uncertain significance (1 of 4 stars; one submission).

Conditions:
Congenital contractural arachnodactyly (CCA). Also called: BEALS SYNDROME; Arthrogryposis, distal, type 9; Beals-Hecht syndrome. Identifiers: Orphanet 115, MedGen C0220668, MONDO:0007363, OMIM 121050.

Submission:

Labcorp Genetics (formerly Invitae), Labcorp
Classification: Uncertain significance for Congenital contractural arachnodactyly. Last evaluated: 2025-11-25. Review status: criteria provided, single submitter. Criteria: Invitae Variant Classification Sherloc (09022015). Collection method: clinical testing. Allele origin: germline.
Comment: This sequence change replaces aspartic acid, which is acidic and polar, with glycine, which is neutral and non-polar, at codon 852 of the FBN2 protein (p.Asp852Gly). This variant is not present in population databases (gnomAD no frequency). This variant has not been reported in the literature in individuals affected with FBN2-related conditions. An algorithm developed to predict the effect of missense changes on protein structure and function (PolyPhen-2) suggests that this variant is likely to be disruptive. In summary, the available evidence is currently insufficient to determine the role of this variant in disease. Therefore, it has been classified as a Variant of Uncertain Significance.

NM_001999.4(FBN2):c.2555A>G (p.Asp852Gly)

Gene: FBN2 (fibrillin 2; minus strand). Cytogenetic location: 5q23.3.
Variant type: single nucleotide variant.
Coding change: c.2555A>G on transcript NM_001999.4 (MANE Select); coding-DNA position 2555, A replaced by G.
Protein change: p.Asp852Gly; replaces aspartic acid 852 with glycine.
Molecular consequence: missense variant.
Genome position (GRCh38, 1-based): chr5:128,357,395, T>C on the plus strand (A>G on the coding strand, the complement: FBN2 is on the minus strand). VCF-style: chr5-128357395-T-C. GRCh37 (hg19) VCF-style: chr5-127693087-T-C.
Other names: short protein forms D852G.
Identifiers: ClinVar variation 4808348 (VCV004808348.1).